The following is an entry in ClinVar:

ClinVar aggregate classification (germline): Uncertain significance (1 of 4 stars; one submission).

Submission:

Ambry Genetics
Classification: Uncertain significance. Last evaluated: 2025-05-25. Review status: criteria provided, single submitter. Criteria: Ambry Variant Classification Scheme 2023. Collection method: clinical testing. Allele origin: germline.
Comment: The p.G226D variant (also known as c.677G>A), located in coding exon 6 of the RAD51B gene, results from a G to A substitution at nucleotide position 677. The glycine at codon 226 is replaced by aspartic acid, an amino acid with similar properties. This amino acid position is highly conserved in available vertebrate species. In addition, this alteration is predicted to be tolerated by in silico analysis. The evidence for this gene-disease relationship is limited; therefore, the clinical significance of this alteration is unclear.

NM_133510.4(RAD51B):c.677G>A (p.Gly226Asp)

Gene: RAD51B (RAD51 paralog B; plus strand). Cytogenetic location: 14q24.1.
Variant type: single nucleotide variant.
Coding change: c.677G>A on transcript NM_133510.4 (MANE Select); coding-DNA position 677, G replaced by A.
Protein change: p.Gly226Asp; replaces glycine 226 with aspartic acid.
Molecular consequence: missense variant.
Genome position (GRCh38, 1-based): chr14:67,887,125, G>A. VCF-style: chr14-67887125-G-A. GRCh37 (hg19) VCF-style: chr14-68353842-G-A.
Other names: c.677G>A, p.Gly226Asp (NM_001321809.2, NM_001321810.2, NM_001321812.1 and 6 more transcripts); c.563G>A, p.Gly188Asp (NM_001321815.1); c.320G>A, p.Gly107Asp (NM_001321817.2); short protein forms G107D, G226D, G188D.
Identifiers: ClinVar variation 3942325 (VCV003942325.1).
Genomic context (GRCh38, chr14:67,887,125, plus strand): 5'-TTGTGATTCTTGACTCTGTTGCTTCTGTGGTCAGAAAGGAGTTTGATGCACAACTTCAAG[G>A]CAATCTCAAAGAAAGAAACAAGTTCTTGGCAAGAGAGGCATCCTCCTTGAAGTATTTGGC-3'
Protein context (NP_598194.1, residues 216-236): VRKEFDAQLQ[Gly226Asp]NLKERNKFLA